The following is an entry in ClinVar:

ClinVar aggregate classification (germline): Uncertain significance (1 of 4 stars; one submission).

Allele frequency attached by ClinVar (database versions not stated): gnomAD 0.00001; gnomAD exomes 0.00001; TOPMed 0.00001.
gnomAD v4.1: 20 of 1,614,064 alleles (0.0012%); highest among the groups gnomAD compares: Non-Finnish European, 0.0014%; no homozygotes.

Submission:

GeneDx
Classification: Uncertain significance. Last evaluated: 2022-12-27. Review status: criteria provided, single submitter. Criteria: GeneDx Variant Classification Process June 2021. Collection method: clinical testing. Allele origin: germline. Affected: yes.
Comment: Not observed at significant frequency in large population cohorts (gnomAD); In silico analysis supports that this missense variant has a deleterious effect on protein structure/function; Has not been previously published as pathogenic or benign to our knowledge

NM_206933.4(USH2A):c.12976T>C (p.Phe4326Leu)

Gene: USH2A (usherin; minus strand). Cytogenetic location: 1q41.
Variant type: single nucleotide variant.
Coding change: c.12976T>C on transcript NM_206933.4 (MANE Select); coding-DNA position 12976, T replaced by C.
Protein change: p.Phe4326Leu; replaces phenylalanine 4326 with leucine.
Molecular consequence: missense variant.
Genome position (GRCh38, 1-based): chr1:215,674,935, A>G on the plus strand (T>C on the coding strand, the complement: USH2A is on the minus strand). VCF-style: chr1-215674935-A-G. GRCh37 (hg19) VCF-style: chr1-215848277-A-G.
Other names: short protein forms F4326L.
Identifiers: ClinVar variation 2507251 (VCV002507251.1), dbSNP rs1487800939, ClinGen allele CA344847991.
Genomic context (GRCh38, chr1:215,674,935, plus strand): 5'-GTTTGCTGGTGGAGCATCCTCCACTCGTGCAGGCTTGGAGTGCATAGCTATAGGTGGAAA[A>G]AGGAAGAAGCTCTTCATCAGTGTAATTGAAAGTCACAGGATCAAAGCTAAAAGGATAGAG-3'
Protein context (NP_996816.3, residues 4316-4336): FNYTDEELLP[Phe4326Leu]STYSYALQAC